The following is an entry in ClinVar:

ClinVar aggregate classification (germline): Likely benign (1 of 4 stars; one submission).

Allele frequency attached by ClinVar (database versions not stated): gnomAD exomes 0.00288; gnomAD 0.00502 and 0.00566; TOPMed 0.00541; 1000 Genomes Project 30x 0.01093; 1000 Genomes Project 0.01178.
gnomAD v4.1: 2,908 of 860,194 alleles (0.34%); highest among the groups gnomAD compares: South Asian, 2.4%; 44 homozygotes.

Submission:

GeneDx
Classification: Likely benign. Last evaluated: 2018-06-14. Review status: criteria provided, single submitter. Criteria: GeneDx Variant Classification (06012015). Collection method: clinical testing. Allele origin: germline. Affected: yes.
Comment: This variant is considered likely benign or benign based on one or more of the following criteria: it is a conservative change, it occurs at a poorly conserved position in the protein, it is predicted to be benign by multiple in silico algorithms, and/or has population frequency not consistent with disease.

NM_003239.5(TGFB3):c.1080+163T>C

Gene: TGFB3 (transforming growth factor beta 3; minus strand). Cytogenetic location: 14q24.3.
Variant type: single nucleotide variant.
Coding change: c.1080+163T>C on transcript NM_003239.5 (MANE Select); 163 bases into the intron after coding-DNA position 1080, T replaced by C.
Molecular consequence: intron variant.
Genome position (GRCh38, 1-based): chr14:75,960,760, A>G on the plus strand (T>C on the coding strand, the complement: TGFB3 is on the minus strand). VCF-style: chr14-75960760-A-G. GRCh37 (hg19) VCF-style: chr14-76427103-A-G.
Other names: c.1080+163T>C (NM_001329939.2).
Identifiers: ClinVar variation 679628 (VCV000679628.1), dbSNP rs115411167, ClinGen allele CA263701748.